The following is an entry in ClinVar:

NM_000020.3(ACVRL1):c.587G>A (p.Arg196Lys)

Gene: ACVRL1 (activin A receptor like type 1; plus strand). Cytogenetic location: 12q13.13.
Variant type: single nucleotide variant.
Coding change: c.587G>A on transcript NM_000020.3 (MANE Select); coding-DNA position 587, G replaced by A.
Protein change: p.Arg196Lys; replaces arginine 196 with lysine.
Molecular consequence: missense variant. On other transcripts: intron variant (6).
Genome position (GRCh38, 1-based): chr12:51,914,035, G>A. VCF-style: chr12-51914035-G-A. GRCh37 (hg19) VCF-style: chr12-52307819-G-A.
Other names: c.587G>A, p.Arg196Lys (NM_001077401.2, NM_001406487.1, NM_001406488.1 and 1 more transcripts); c.314-404G>A (NM_001406491.1, NM_001406490.1, NM_001406492.1 and 2 more transcripts); c.62-404G>A (NM_001406495.1); short protein forms R196K.
Identifiers: ClinVar variation 3367348 (VCV003367348.3).

ClinVar aggregate classification (germline): Uncertain significance. Review status: criteria provided, multiple submitters, no conflicts (2 of 4 stars). 2 submissions from 2 submitters: Uncertain significance (2). Last evaluated 2024-05-01.

Conditions:
Telangiectasia, hereditary hemorrhagic, type 2 (HHT2). Also called: Telangiectasia, hereditary hemorrhagic, type II; ACVRL1-Related Hereditary Hemorrhagic Telangiectasia. Identifiers: Orphanet 774, MedGen C1838163, MONDO:0010880, OMIM 600376. Disease mechanism: loss of function.

Submissions (2):

Labcorp Genetics (formerly Invitae), Labcorp
Classification: Uncertain significance for Telangiectasia, hereditary hemorrhagic, type 2. Last evaluated: 2024-05-01. Review status: criteria provided, single submitter. Criteria: Invitae Variant Classification Sherloc (09022015). Collection method: clinical testing. Allele origin: germline.
Comment: This sequence change replaces arginine, which is basic and polar, with lysine, which is basic and polar, at codon 196 of the ACVRL1 protein (p.Arg196Lys). This variant is not present in population databases (gnomAD no frequency). This variant has not been reported in the literature in individuals affected with ACVRL1-related conditions. Advanced modeling of protein sequence and biophysical properties (such as structural, functional, and spatial information, amino acid conservation, physicochemical variation, residue mobility, and thermodynamic stability) performed at Invitae indicates that this missense variant is expected to disrupt ACVRL1 protein function with a positive predictive value of 95%. In summary, the available evidence is currently insufficient to determine the role of this variant in disease. Therefore, it has been classified as a Variant of Uncertain Significance.

GeneDx
Classification: Uncertain significance. Last evaluated: 2023-12-28. Review status: criteria provided, single submitter. Criteria: GeneDx Variant Classification Process June 2021. Collection method: clinical testing. Allele origin: germline. Affected: yes.
Comment: Has not been previously published as pathogenic or benign to our knowledge; Not observed at significant frequency in large population cohorts (gnomAD); In silico analysis supports that this missense variant has a deleterious effect on protein structure/function